The following is an entry in ClinVar:

NM_020631.6(PLEKHG5):c.1507G>C (p.Glu503Gln)

Gene: PLEKHG5 (pleckstrin homology and RhoGEF domain containing G5; minus strand). Cytogenetic location: 1p36.31.
Variant type: single nucleotide variant.
Coding change: c.1507G>C on transcript NM_020631.6 (MANE Select); coding-DNA position 1507, G replaced by C.
Protein change: p.Glu503Gln; replaces glutamic acid 503 with glutamine.
Molecular consequence: missense variant.
Genome position (GRCh38, 1-based): chr1:6,470,770, C>G on the plus strand (G>C on the coding strand, the complement: PLEKHG5 is on the minus strand). VCF-style: chr1-6470770-C-G. GRCh37 (hg19) VCF-style: chr1-6530830-C-G.
Other names: c.1618G>C, p.Glu540Gln (NM_001042663.3, NM_001265592.2); c.1507G>C, p.Glu503Gln (NM_001042664.2, NM_001042665.2, NM_001265594.3 and 1 more transcripts); c.1714G>C, p.Glu572Gln (NM_001265593.2); short protein forms E503Q, E572Q, E540Q.
Identifiers: ClinVar variation 245888 (VCV000245888.11), dbSNP rs868161574, ClinGen allele CA10584154.

ClinVar aggregate classification (germline): Uncertain significance. Review status: criteria provided, multiple submitters, no conflicts (2 of 4 stars). 3 submissions from 3 submitters: Uncertain significance (3). Last evaluated 2022-07-25.

Conditions:
Inborn genetic diseases. Identifiers: MedGen C0950123, MeSH D030342.
Neuronopathy, distal hereditary motor, autosomal recessive 4. Also called: NEUROPATHY, DISTAL HEREDITARY MOTOR, AUTOSOMAL RECESSIVE 4; Autosomal recessive lower motor neuron disease with childhood onset. Identifiers: Orphanet 206580, MedGen C1970211, MONDO:0012608, OMIM 611067.
Charcot-Marie-Tooth disease recessive intermediate C. Also called: CHARCOT-MARIE-TOOTH NEUROPATHY, RECESSIVE INTERMEDIATE C. Identifiers: Orphanet 369867, MedGen C3809309, MONDO:0014154, OMIM 615376.

Allele frequency attached by ClinVar (database versions not stated): gnomAD exomes 0.00002; TOPMed 0.00004; gnomAD 0.00005.
gnomAD v4.1: 36 of 1,566,408 alleles (0.0023%); highest among the groups gnomAD compares: Middle Eastern, 0.017%; no homozygotes.

Submissions (3):

Labcorp Genetics (formerly Invitae), Labcorp
Classification: Uncertain significance for Neuronopathy, distal hereditary motor, autosomal recessive 4; Charcot-Marie-Tooth disease recessive intermediate C. Last evaluated: 2022-07-25. Review status: criteria provided, single submitter. Criteria: Invitae Variant Classification Sherloc (09022015). Collection method: clinical testing. Allele origin: germline.
Comment: This sequence change replaces glutamic acid, which is acidic and polar, with glutamine, which is neutral and polar, at codon 503 of the PLEKHG5 protein (p.Glu503Gln). The frequency data for this variant in the population databases is considered unreliable, as metrics indicate poor data quality at this position in the gnomAD database. This variant has not been reported in the literature in individuals affected with PLEKHG5-related conditions. ClinVar contains an entry for this variant (Variation ID: 245888). Algorithms developed to predict the effect of missense changes on protein structure and function (SIFT, PolyPhen-2, Align-GVGD) all suggest that this variant is likely to be tolerated. In summary, the available evidence is currently insufficient to determine the role of this variant in disease. Therefore, it has been classified as a Variant of Uncertain Significance.

GeneDx
Classification: Uncertain significance. Last evaluated: 2022-04-27. Review status: criteria provided, single submitter. Criteria: GeneDx Variant Classification Process June 2021. Collection method: clinical testing. Allele origin: germline. Affected: yes.
Comment: Not observed at significant frequency in large population cohorts (gnomAD); In silico analysis supports that this missense variant does not alter protein structure/function; Has not been previously published as pathogenic or benign to our knowledge

Ambry Genetics
Classification: Uncertain significance for Inborn genetic diseases. Last evaluated: 2019-12-28. Review status: criteria provided, single submitter. Criteria: Ambry Variant Classification Scheme 2023. Collection method: clinical testing. Allele origin: germline.
Comment: The p.E503Q variant (also known as c.1507G>C), located in coding exon 13 of the PLEKHG5 gene, results from a G to C substitution at nucleotide position 1507. The glutamic acid at codon 503 is replaced by glutamine, an amino acid with highly similar properties. This amino acid position is poorly conserved in available vertebrate species. In addition, this alteration is predicted to be tolerated by in silico analysis. Since supporting evidence is limited at this time, the clinical significance of this alteration remains unclear.